The following is an entry in ClinVar:

NM_006015.6(ARID1A):c.5457G>T (p.Lys1819Asn)

Gene: ARID1A (AT-rich interaction domain 1A; plus strand). Cytogenetic location: 1p36.11.
Variant type: single nucleotide variant.
Coding change: c.5457G>T on transcript NM_006015.6 (MANE Select); coding-DNA position 5457, G replaced by T.
Protein change: p.Lys1819Asn; replaces lysine 1819 with asparagine.
Molecular consequence: missense variant.
Genome position (GRCh38, 1-based): chr1:26,779,355, G>T. VCF-style: chr1-26779355-G-T. GRCh37 (hg19) VCF-style: chr1-27105846-G-T.
Other names: c.4806G>T, p.Lys1602Asn (NM_139135.4); short protein forms K1602N, K1819N.
Identifiers: ClinVar variation 3025625 (VCV003025625.22), dbSNP rs12126391, ClinGen allele CA339185480.
Genomic context (GRCh38, chr1:26,779,355, plus strand): 5'-GAATAGTGAGGAGAAGCTGATCAGTAAGTTTGACAAGCTTCCAGTAAAGATCGTACAGAA[G>T]AATGATCCATTTGTGGTGGACTGCTCAGATAAGCTTGGGCGTGTGCAGGAGTTTGACAGT-3'
Protein context (NP_006006.3, residues 1809-1829): FDKLPVKIVQ[Lys1819Asn]NDPFVVDCSD

ClinVar aggregate classification (germline): Uncertain significance (1 of 4 stars; one submission).

Submission:

CeGaT Center for Human Genetics Tuebingen
Classification: Uncertain significance. Last evaluated: 2024-02-01. Review status: criteria provided, single submitter. Criteria: CeGaT Center For Human Genetics Tuebingen Variant Classification Criteria Version 2. Collection method: clinical testing. Allele origin: germline. Affected: yes. Observed: 1 variant allele.
Comment: ARID1A: PM2